The following is an entry in ClinVar:

ClinVar aggregate classification (germline): Uncertain significance (1 of 4 stars; one submission).

Allele frequency attached by ClinVar (database versions not stated): gnomAD exomes below 0.00001.
gnomAD v4.1: 1 of 1,614,084 alleles (0.000062%); highest among the groups gnomAD compares: Admixed American, 0.0017%; no homozygotes.

Submission:

Labcorp Genetics (formerly Invitae), Labcorp
Classification: Uncertain significance. Last evaluated: 2022-02-04. Review status: criteria provided, single submitter. Criteria: Invitae Variant Classification Sherloc (09022015). Collection method: clinical testing. Allele origin: germline.
Comment: This sequence change replaces cysteine, which is neutral and slightly polar, with tryptophan, which is neutral and slightly polar, at codon 35 of the MBTPS1 protein (p.Cys35Trp). This variant is present in population databases (no rsID available, gnomAD 0.003%). This variant has not been reported in the literature in individuals affected with MBTPS1-related conditions. Algorithms developed to predict the effect of missense changes on protein structure and function are either unavailable or do not agree on the potential impact of this missense change (SIFT: "Deleterious"; PolyPhen-2: "Possibly Damaging"; Align-GVGD: "Class C0"). In summary, the available evidence is currently insufficient to determine the role of this variant in disease. Therefore, it has been classified as a Variant of Uncertain Significance.

NM_003791.4(MBTPS1):c.105C>G (p.Cys35Trp)

Gene: MBTPS1 (membrane bound transcription factor peptidase, site 1; minus strand). Cytogenetic location: 16q24.1.
Variant type: single nucleotide variant.
Coding change: c.105C>G on transcript NM_003791.4 (MANE Select); coding-DNA position 105, C replaced by G.
Protein change: p.Cys35Trp; replaces cysteine 35 with tryptophan.
Molecular consequence: missense variant.
Genome position (GRCh38, 1-based): chr16:84,101,679, G>C on the plus strand (C>G on the coding strand, the complement: MBTPS1 is on the minus strand). VCF-style: chr16-84101679-G-C. GRCh37 (hg19) VCF-style: chr16-84135284-G-C.
Other names: short protein forms C35W.
Identifiers: ClinVar variation 2174172 (VCV002174172.1), dbSNP rs989521020, ClinGen allele CA285492726.
Genomic context (GRCh38, chr16:84,101,679, plus strand): 5'-ACCATATTCCACAACTGTTGATGAGAATTCCACCTTCAAAGTCAGGTGGGAACAGCCAGG[G>C]CATGGGGCCTTTTCAAAAGATTTCTTTTCCAGTCTGTCGCCCAGATGTTTCTTCCCACAG-3'
Protein context (NP_003782.1, residues 25-45): LEKKSFEKAP[Cys35Trp]PGCSHLTLKV